The following is an entry in ClinVar:

NM_000384.3(APOB):c.10893C>G (p.Ile3631Met)

Gene: APOB (apolipoprotein B; minus strand). Cytogenetic location: 2p24.1.
Variant type: single nucleotide variant.
Coding change: c.10893C>G on transcript NM_000384.3 (MANE Select); coding-DNA position 10893, C replaced by G.
Protein change: p.Ile3631Met; replaces isoleucine 3631 with methionine.
Molecular consequence: missense variant.
Genome position (GRCh38, 1-based): chr2:21,005,975, G>C on the plus strand (C>G on the coding strand, the complement: APOB is on the minus strand). VCF-style: chr2-21005975-G-C. GRCh37 (hg19) VCF-style: chr2-21228847-G-C.
Other names: short protein forms I3631M.
Identifiers: ClinVar variation 2586174 (VCV002586174.2), dbSNP rs2465358335, ClinGen allele CA345984717.

ClinVar aggregate classification (germline): Uncertain significance (1 of 4 stars; one submission).

Conditions:
Cardiovascular phenotype. Identifiers: MedGen CN230736.

Submission:

Ambry Genetics
Classification: Uncertain significance for Cardiovascular phenotype. Last evaluated: 2023-06-30. Review status: criteria provided, single submitter. Criteria: Ambry Variant Classification Scheme 2023. Collection method: clinical testing. Allele origin: germline.
Comment: The p.I3631M variant (also known as c.10893C>G), located in coding exon 26 of the APOB gene, results from a C to G substitution at nucleotide position 10893. The isoleucine at codon 3631 is replaced by methionine, an amino acid with highly similar properties. This amino acid position is conserved. In addition, this alteration is predicted to be tolerated by in silico analysis. Since supporting evidence is limited at this time, the clinical significance of this alteration remains unclear.